The following is an entry in ClinVar:

ClinVar aggregate classification (germline): Likely benign. Review status: criteria provided, single submitter (1 of 4 stars). 2 submissions from 2 submitters: Likely benign (1). 1 of the submissions does not count toward it. Last evaluated 2026-01-12.

Conditions:
UBR1-related disorder. Also called: UBR1-related condition.

Allele frequency attached by ClinVar (database versions not stated): gnomAD exomes 0.00004; gnomAD 0.00007; ExAC 0.00014; 1000 Genomes Project 0.00040; 1000 Genomes Project 30x 0.00062.
gnomAD v4.1: 76 of 1,614,002 alleles (0.0047%); highest among the groups gnomAD compares: East Asian, 0.082%; no homozygotes.

Submissions (2):

Labcorp Genetics (formerly Invitae), Labcorp
Classification: Likely benign. Last evaluated: 2026-01-12. Review status: criteria provided, single submitter. Criteria: Invitae Variant Classification Sherloc (09022015). Collection method: clinical testing. Allele origin: germline.

PreventionGenetics, part of Exact Sciences
Classification: Likely benign for UBR1-related condition. Last evaluated: 2024-04-16. Review status: no assertion criteria provided. Collection method: clinical testing. Allele origin: germline. Not counted in ClinVar's aggregate classification.
Comment: This variant is classified as likely benign based on ACMG/AMP sequence variant interpretation guidelines (Richards et al. 2015 PMID: 25741868, with internal and published modifications).

NM_174916.3(UBR1):c.4750G>A (p.Val1584Met)

Gene: UBR1 (ubiquitin protein ligase E3 component n-recognin 1; minus strand). Cytogenetic location: 15q15.2.
Variant type: single nucleotide variant.
Coding change: c.4750G>A on transcript NM_174916.3 (MANE Select); coding-DNA position 4750, G replaced by A.
Protein change: p.Val1584Met; replaces valine 1584 with methionine.
Molecular consequence: missense variant.
Genome position (GRCh38, 1-based): chr15:42,960,652, C>T on the plus strand (G>A on the coding strand, the complement: UBR1 is on the minus strand). VCF-style: chr15-42960652-C-T. GRCh37 (hg19) VCF-style: chr15-43252850-C-T.
Other names: c.4750G>A (NM_174916.2); short protein forms V1584M.
Identifiers: ClinVar variation 2165280 (VCV002165280.5), dbSNP rs147296247, ClinGen allele CA7517786.
Genomic context (GRCh38, chr15:42,960,652, plus strand): 5'-TTAGGAAACACAACTTGTGGATGAGGGAGAAAGGATTAAGTAGTAAAACCAACCTGACCA[C>T]GGTGTTTTTTTGCTTCAAACAGTTTAGTAAGGCAGGATCTGCACACCACCTGTATGTGGA-3'
Protein context (NP_777576.1, residues 1574-1594): LLNCLKQKNT[Val1584Met]VRYPRKRNSL